The following is an entry in ClinVar:

ClinVar aggregate classification (germline): Conflicting classifications of pathogenicity. Review status: criteria provided, conflicting classifications (1 of 4 stars). 3 submissions from 3 submitters: Uncertain significance (2); Likely benign (1). Last evaluated 2026-02-25.

Conditions:
Bethlem myopathy 1A. Also called: Bethlem Muscular Dystrophy; MYOPATHY, BENIGN CONGENITAL, WITH CONTRACTURES; Bethlem myopathy 1. Identifiers: Orphanet 610, MedGen CN029274, MONDO:0024530, OMIM 158810.
COL6A3-related disorder. Also called: COL6A3-related disorders; COL6A3-related condition.
Inborn genetic diseases. Identifiers: MedGen C0950123, MeSH D030342.

Allele frequency attached by ClinVar (database versions not stated): ExAC 0.00001; gnomAD 0.00003; TOPMed 0.00004.
gnomAD v4.1: 85 of 1,613,932 alleles (0.0053%); highest among the groups gnomAD compares: Non-Finnish European, 0.0071%; no homozygotes.

Submissions (3):

PreventionGenetics, part of Exact Sciences
Classification: Uncertain significance for COL6A3-related condition. Last evaluated: 2026-02-25. Review status: criteria provided, single submitter. Criteria: ACMG Guidelines, 2015. Collection method: clinical testing. Allele origin: germline.
Comment: The COL6A3 c.9046G>C variant is predicted to result in the amino acid substitution p.Gly3016Arg. To our knowledge, this variant has not been reported in the literature. This variant is reported in 0.0053% of alleles in individuals of European (Non-Finnish) descent in gnomAD. At this time, the clinical significance of this variant is uncertain due to the absence of conclusive functional and genetic evidence.

Labcorp Genetics (formerly Invitae), Labcorp
Classification: Likely benign for Bethlem myopathy 1A. Last evaluated: 2025-12-30. Review status: criteria provided, single submitter. Criteria: Invitae Variant Classification Sherloc (09022015). Collection method: clinical testing. Allele origin: germline.

Ambry Genetics
Classification: Uncertain significance for Inborn genetic diseases. Last evaluated: 2024-02-28. Review status: criteria provided, single submitter. Criteria: Ambry Variant Classification Scheme 2023. Collection method: clinical testing. Allele origin: germline.

NM_004369.4(COL6A3):c.9046G>C (p.Gly3016Arg)

Gene: COL6A3 (collagen type VI alpha 3 chain; minus strand). Cytogenetic location: 2q37.3.
Variant type: single nucleotide variant.
Coding change: c.9046G>C on transcript NM_004369.4 (MANE Select); coding-DNA position 9046, G replaced by C.
Protein change: p.Gly3016Arg; replaces glycine 3016 with arginine.
Molecular consequence: missense variant.
Genome position (GRCh38, 1-based): chr2:237,334,809, C>G on the plus strand (G>C on the coding strand, the complement: COL6A3 is on the minus strand). VCF-style: chr2-237334809-C-G. GRCh37 (hg19) VCF-style: chr2-238243452-C-G.
Other names: c.7225G>C, p.Gly2409Arg (NM_057166.5); c.8428G>C, p.Gly2810Arg (NM_057167.4); short protein forms G2810R, G3016R, G2409R.
Identifiers: ClinVar variation 2143686 (VCV002143686.6), dbSNP rs774436034, ClinGen allele CA2187372.